The following is an entry in ClinVar:

ClinVar aggregate classification (germline): Uncertain significance. Review status: criteria provided, multiple submitters, no conflicts (2 of 4 stars). 2 submissions from 2 submitters: Uncertain significance (2). Last evaluated 2026-01-26.

Conditions:
Hearing impairment. Also called: Impaired Hearing. Identifiers: MedGen C1384666, MONDO:0005365, HP:0000365.
TECTA-related disorder. Also called: TECTA-related condition.

Allele frequency attached by ClinVar (database versions not stated): TOPMed 0.00003; gnomAD exomes 0.00005 and 0.00006; ExAC 0.00006; gnomAD 0.00006 and 0.00007.
gnomAD v4.1: 84 of 1,614,040 alleles (0.0052%); highest among the groups gnomAD compares: Admixed American, 0.013%; no homozygotes.

Submissions (2):

PreventionGenetics, part of Exact Sciences
Classification: Uncertain significance for TECTA-related condition. Last evaluated: 2026-01-26. Review status: criteria provided, single submitter. Criteria: ACMG Guidelines, 2015. Collection method: clinical testing. Allele origin: germline.
Comment: The TECTA c.314A>G variant is predicted to result in the amino acid substitution p.Asn105Ser. To our knowledge, this variant has not been reported in the literature. This variant is reported in 0.012% of alleles in individuals of Latino descent in gnomAD. At this time, the clinical significance of this variant is uncertain due to the absence of conclusive functional and genetic evidence.

Department of Otolaryngology – Head & Neck Surgery, Cochlear Implant Center
Classification: Uncertain significance for Hearing impairment. Last evaluated: 2021-04-12. Review status: criteria provided, single submitter. Criteria: ClinGen HL ACMG Specifications v1. Collection method: clinical testing. Allele origin: germline. Affected: yes.
Comment: PP1_Moderate, PP3_Supporting

NM_005422.4(TECTA):c.314A>G (p.Asn105Ser)

Genes: TBCEL-TECTA (TBCEL-TECTA readthrough; plus strand), TECTA (tectorin alpha; plus strand). Cytogenetic location: 11q23.3.
Variant type: single nucleotide variant.
Coding change: c.314A>G on transcript NM_005422.4 (MANE Select); coding-DNA position 314, A replaced by G.
Protein change: p.Asn105Ser; replaces asparagine 105 with serine.
Molecular consequence: missense variant.
Genome position (GRCh38, 1-based): chr11:121,109,326, A>G. VCF-style: chr11-121109326-A-G. GRCh37 (hg19) VCF-style: chr11-120980035-A-G.
Other names: c.1271A>G, p.Asn424Ser (NM_001378761.1); short protein forms N105S, N424S.
Identifiers: ClinVar variation 1065007 (VCV001065007.4), dbSNP rs752159524, ClinGen allele CA6326471.
Genomic context (GRCh38, chr11:121,109,326, plus strand): 5'-AATCCTTTCCCCTGACAGATGGGAGAGCCTTCGTCGCCCCATTTTGGGCAGATGTGCACA[A>G]TGGAATTCGAGGCGAGATCTATTACAGAGAGACCATGGAGCCTGCCATCTTGAAAAGAGC-3'
Protein context (NP_005413.2, residues 95-115): FVAPFWADVH[Asn105Ser]GIRGEIYYRE